The following is an entry in ClinVar:

NM_006031.6(PCNT):c.6125G>A (p.Arg2042His)

Gene: PCNT (pericentrin; plus strand). Cytogenetic location: 21q22.3.
Variant type: single nucleotide variant.
Coding change: c.6125G>A on transcript NM_006031.6 (MANE Select); coding-DNA position 6125, G replaced by A.
Protein change: p.Arg2042His; replaces arginine 2042 with histidine.
Molecular consequence: missense variant.
Genome position (GRCh38, 1-based): chr21:46,412,967, G>A. VCF-style: chr21-46412967-G-A. GRCh37 (hg19) VCF-style: chr21-47832881-G-A.
Other names: c.5771G>A, p.Arg1924His (NM_001315529.2); short protein forms R1924H, R2042H.
Identifiers: ClinVar variation 769143 (VCV000769143.18), dbSNP rs149264703, ClinGen allele CA10080209.

ClinVar aggregate classification (germline): Conflicting classifications of pathogenicity. Review status: criteria provided, conflicting classifications (1 of 4 stars). 5 submissions from 5 submitters: Uncertain significance (1); Benign (1); Likely benign (2). 1 of the submissions does not count toward it. Last evaluated 2026-01-26.

Conditions:
PCNT-related disorder. Also called: PCNT-related condition.
Microcephalic osteodysplastic primordial dwarfism type II (MOPD2). Also called: OSTEODYSPLASTIC PRIMORDIAL DWARFISM, TYPE II; Microcephalic osteodysplastic primordial dwarfism with tooth abnormalities; MOPD II. Identifiers: Orphanet 2637, MedGen C0432246, MONDO:0008872, OMIM 210720.
Inborn genetic diseases. Identifiers: MedGen C0950123, MeSH D030342.

Allele frequency attached by ClinVar (database versions not stated): ExAC 0.00061; gnomAD 0.00145 and 0.00151; TOPMed 0.00160; 1000 Genomes Project 0.00180; ESP Exome Variant Server 0.00223; 1000 Genomes Project 30x 0.00234.
gnomAD v4.1: 427 of 1,610,340 alleles (0.027%); highest among the groups gnomAD compares: African/African-American, 0.51%; 2 homozygotes.

Submissions (5):

Labcorp Genetics (formerly Invitae), Labcorp
Classification: Benign. Last evaluated: 2026-01-26. Review status: criteria provided, single submitter. Criteria: Invitae Variant Classification Sherloc (09022015). Collection method: clinical testing. Allele origin: germline.

Blueprint Genetics
Classification: Likely benign. Last evaluated: 2024-08-28. Review status: criteria provided, single submitter. Criteria: ACMG Guidelines, 2015. Collection method: clinical testing. Allele origin: germline.

Ambry Genetics
Classification: Uncertain significance for Inborn genetic diseases. Last evaluated: 2024-04-12. Review status: criteria provided, single submitter. Criteria: Ambry Variant Classification Scheme 2023. Collection method: clinical testing. Allele origin: germline.

Illumina Laboratory Services, Illumina
Classification: Likely benign for Microcephalic osteodysplastic primordial dwarfism type II. Last evaluated: 2017-04-27. Review status: criteria provided, single submitter. Criteria: ICSL Variant Classification Criteria 13 December 2019. Collection method: clinical testing. Allele origin: germline.
Comment: This variant was observed as part of a predisposition screen in an ostensibly healthy population. A literature search was performed for the gene, cDNA change, and amino acid change (where applicable). No publications were found based on this search. Allele frequency data from public databases allowed determination this variant is unlikely to cause disease. Therefore, this variant is classified as likely benign.

PreventionGenetics, part of Exact Sciences
Classification: Likely benign for PCNT-related condition. Last evaluated: 2020-06-09. Review status: no assertion criteria provided. Collection method: clinical testing. Allele origin: germline. Not counted in ClinVar's aggregate classification.
Comment: This variant is classified as likely benign based on ACMG/AMP sequence variant interpretation guidelines (Richards et al. 2015 PMID: 25741868, with internal and published modifications).